The following is an entry in ClinVar:

ClinVar aggregate classification (germline): Uncertain significance (1 of 4 stars; one submission).

Submission:

GeneDx
Classification: Uncertain significance. Last evaluated: 2024-07-05. Review status: criteria provided, single submitter. Criteria: GeneDx Variant Classification Process June 2021. Collection method: clinical testing. Allele origin: germline. Affected: yes.
Comment: Not observed at significant frequency in large population cohorts (gnomAD); Frameshift variant predicted to result in abnormal protein length as the last 35 amino acids are replaced with 60 different amino acids; Has not been previously published as pathogenic or benign to our knowledge

NM_020719.3(PRR12):c.6005del (p.Glu2002fs)

Gene: PRR12 (proline rich 12; plus strand). Cytogenetic location: 19q13.33.
Variant type: Deletion.
Coding change: c.6005del on transcript NM_020719.3 (MANE Select); coding-DNA position 6005, one base deleted (A; older notation c.6005delA).
Protein change: p.Glu2002fs; shifts the reading frame from glutamic acid 2002.
Molecular consequence: frameshift variant.
Genome position (GRCh38, 1-based): chr19:49,625,501, A deleted. VCF-style (leftmost placement, unchanged base first): chr19-49625500-GA-G. GRCh37 (hg19) VCF-style: chr19-50128757-GA-G.
Other names: short protein forms E2002fs.
Identifiers: ClinVar variation 3393726 (VCV003393726.1).
Genomic context (GRCh38, chr19:49,625,500, plus strand): 5'-TGCCATGTTTGACCCCTGCAGACCCTGGCCATCGAGGGCGGCGCCGAGGACCTGGGCCAG[GA>G]GGAGGTGGTCCAGCAGTGCATGCGGAACCAGCCGTGGCTGGAACAGCTCTTTGACTCCTT-3'